The following is an entry in ClinVar:

ClinVar aggregate classification (germline): Benign/Likely benign. Review status: criteria provided, multiple submitters, no conflicts (2 of 4 stars). 11 submissions from 11 submitters: Benign (5); Likely benign (6). Last evaluated 2026-08-01.

Conditions:
Inborn genetic diseases. Identifiers: MedGen C0950123, MeSH D030342.
Thrombocytopenia 2 (THC2). Also called: ANKRD26-Related Thrombocytopenia. Identifiers: Orphanet 268322, MedGen C1861185, MONDO:0008555, OMIM 188000.

Allele frequency attached by ClinVar (database versions not stated): 1000 Genomes Project 0.00060; 1000 Genomes Project 30x 0.00078; TOPMed 0.00161; gnomAD 0.00212 and 0.00215; ExAC 0.00230; gnomAD exomes 0.00234 and 0.00295; ESP Exome Variant Server 0.00263.
gnomAD v4.1: 4,546 of 1,613,554 alleles (0.28%); highest among the groups gnomAD compares: Non-Finnish European, 0.35%; 10 homozygotes.

Submissions (11):

CeGaT Center for Human Genetics Tuebingen
Classification: Likely benign. Last evaluated: 2026-08-01. Review status: criteria provided, single submitter. Criteria: CeGaT Center For Human Genetics Tuebingen Variant Classification Criteria Version 2. Collection method: clinical testing. Allele origin: germline. Affected: yes. Observed: 4 variant alleles.
Comment: ANKRD26: BP4, BP7, BS1

Labcorp Genetics (formerly Invitae), Labcorp
Classification: Benign. Last evaluated: 2026-02-02. Review status: criteria provided, single submitter. Criteria: Invitae Variant Classification Sherloc (09022015). Collection method: clinical testing. Allele origin: germline.

Mayo Clinic Laboratories, Mayo Clinic
Classification: Likely benign. Last evaluated: 2025-10-15. Review status: criteria provided, single submitter. Criteria: ACMG Guidelines, 2015. Collection method: clinical testing. Allele origin: germline. Observed: 7 variant alleles.
Comment: BP4, BP7

Blueprint Genetics
Classification: Likely benign. Last evaluated: 2024-11-20. Review status: criteria provided, single submitter. Criteria: ACMG Guidelines, 2015. Collection method: clinical testing. Allele origin: germline.

Ambry Genetics
Classification: Likely benign for Inborn genetic diseases. Last evaluated: 2024-10-02. Review status: criteria provided, single submitter. Criteria: Ambry Variant Classification Scheme 2023. Collection method: clinical testing. Allele origin: germline.

ARUP Laboratories, Molecular Genetics and Genomics, ARUP Laboratories
Classification: Benign for Thrombocytopenia 2. Last evaluated: 2024-01-19. Review status: criteria provided, single submitter. Criteria: ARUP Molecular Germline Variant Investigation Process 2024. Collection method: clinical testing. Allele origin: germline.

Genome-Nilou Lab
Classification: Benign for Thrombocytopenia 2. Last evaluated: 2021-12-05. Review status: criteria provided, single submitter. Criteria: ACMG Guidelines, 2015. Collection method: clinical testing. Allele origin: germline. Affected: no.

Genetic Services Laboratory, University of Chicago
Classification: Benign. Last evaluated: 2021-06-21. Review status: criteria provided, single submitter. Criteria: ACMG Guidelines, 2015. Collection method: clinical testing. Allele origin: germline. Affected: no.

GeneDx
Classification: Likely benign. Last evaluated: 2020-07-28. Review status: criteria provided, single submitter. Criteria: GeneDx Variant Classification Process June 2021. Collection method: clinical testing. Allele origin: germline. Affected: yes.

Illumina Laboratory Services, Illumina
Classification: Benign for Thrombocytopenia 2. Last evaluated: 2018-01-13. Review status: criteria provided, single submitter. Criteria: ICSL Variant Classification Criteria 13 December 2019. Collection method: clinical testing. Allele origin: germline.
Comment: This variant was observed in the ICSL laboratory as part of a predisposition screen in an ostensibly healthy population. It had not been previously curated by ICSL or reported in the Human Gene Mutation Database (HGMD: prior to June 1st, 2018), and was therefore a candidate for classification through an automated scoring system. Utilizing variant allele frequency, disease prevalence and penetrance estimates, and inheritance mode, an automated score was calculated to assess if this variant is too frequent to cause the disease. Based on the score and internal cut-off values, a variant classified as benign is not then subjected to further curation. The score for this variant resulted in a classification of benign for this disease.

PreventionGenetics, part of Exact Sciences
Classification: Likely benign. Review status: criteria provided, single submitter. Criteria: ACMG Guidelines, 2015. Collection method: clinical testing. Allele origin: germline.

NM_014915.3(ANKRD26):c.2679A>G (p.Gln893=)

Gene: ANKRD26 (ankyrin repeat domain 26; minus strand). Cytogenetic location: 10p12.1.
Variant type: single nucleotide variant.
Coding change: c.2679A>G on transcript NM_014915.3 (MANE Select); coding-DNA position 2679, A replaced by G.
Protein change: p.Gln893=; no amino-acid change (glutamine 893 retained).
Molecular consequence: synonymous variant.
Genome position (GRCh38, 1-based): chr10:27,037,204, T>C on the plus strand (A>G on the coding strand, the complement: ANKRD26 is on the minus strand). VCF-style: chr10-27037204-T-C. GRCh37 (hg19) VCF-style: chr10-27326133-T-C.
Other names: p.Gln893=; c.2676A>G, p.Gln892= (NM_001256053.2).
Identifiers: ClinVar variation 260463 (VCV000260463.49), dbSNP rs61730098, ClinGen allele CA5448172.